The following is an entry in ClinVar:

ClinVar aggregate classification (germline): Likely benign. Review status: criteria provided, multiple submitters, no conflicts (2 of 4 stars). 3 submissions from 3 submitters: Likely benign (3). Last evaluated 2025-09-06.

Conditions:
Autosomal recessive limb-girdle muscular dystrophy type 2Q (LGMDR17). Also called: MUSCULAR DYSTROPHY, LIMB-GIRDLE, AUTOSOMAL RECESSIVE 17. Identifiers: Orphanet 254361, MedGen C3150989, MONDO:0013390, OMIM 613723.
Epidermolysis bullosa simplex 5C, with pyloric atresia (EBS5C). Also called: PLEC1-Related Epidermolysis Bullosa with Pyloric Atresia; PLEC-Related Epidermolysis Bullosa with Pyloric Atresia; Epidermolysis bullosa simplex with pyloric atresia. Identifiers: Orphanet 158684, MedGen C2677349, MONDO:0012807, OMIM 612138.
Epidermolysis bullosa simplex with nail dystrophy (EBS5D). Identifiers: MedGen C4225309, MONDO:0014661, OMIM 616487.
Epidermolysis bullosa simplex, Ogna type (EBS5A). Also called: Pidermolysis bullosa simplex 5A, Ogna type; EPIDERMOLYSIS BULLOSA SIMPLEX 5A, OGNA TYPE. Identifiers: Orphanet 79401, MedGen C0432317, MONDO:0007555, OMIM 131950.
Epidermolysis bullosa simplex 5B, with muscular dystrophy (EBS5B). Also called: Epidermolysis bullosa simplex with muscular dystrophy; EPIDERMOLYSIS BULLOSA SIMPLEX AND LIMB-GIRDLE MUSCULAR DYSTROPHY. Identifiers: Orphanet 257, MedGen C2931072, MONDO:0009181, OMIM 226670.

Allele frequency attached by ClinVar (database versions not stated): TOPMed 0.00012; 1000 Genomes Project 0.00100; 1000 Genomes Project 30x 0.00109; gnomAD exomes 0.00004; gnomAD 0.00008 and 0.00011.

Submissions (3):

Labcorp Genetics (formerly Invitae), Labcorp
Classification: Likely benign for Autosomal recessive limb-girdle muscular dystrophy type 2Q; Epidermolysis bullosa simplex, Ogna type; Epidermolysis bullosa simplex with nail dystrophy; Epidermolysis bullosa simplex 5C, with pyloric atresia; Epidermolysis bullosa simplex 5B, with muscular dystrophy. Last evaluated: 2025-09-06. Review status: criteria provided, single submitter. Criteria: Invitae Variant Classification Sherloc (09022015). Collection method: clinical testing. Allele origin: germline.

Blueprint Genetics
Classification: Likely benign. Last evaluated: 2024-10-03. Review status: criteria provided, single submitter. Criteria: ACMG Guidelines, 2015. Collection method: clinical testing. Allele origin: germline.

GeneDx
Classification: Likely benign. Last evaluated: 2016-08-05. Review status: criteria provided, single submitter. Criteria: GeneDx Variant Classification (06012015). Collection method: clinical testing. Allele origin: germline. Affected: yes.
Comment: This variant is considered likely benign or benign based on one or more of the following criteria: it is a conservative change, it occurs at a poorly conserved position in the protein, it is predicted to be benign by multiple in silico algorithms, and/or has population frequency not consistent with disease.

NM_201384.3(PLEC):c.10473C>T (p.Arg3491=)

Gene: PLEC (plectin; minus strand). Cytogenetic location: 8q24.3.
Variant type: single nucleotide variant.
Coding change: c.10473C>T on transcript NM_201384.3 (MANE Select); coding-DNA position 10473, C replaced by T.
Protein change: p.Arg3491=; no amino-acid change (arginine 3491 retained).
Molecular consequence: synonymous variant.
Genome position (GRCh38, 1-based): chr8:143,919,348, G>A on the plus strand (C>T on the coding strand, the complement: PLEC is on the minus strand). VCF-style: chr8-143919348-G-A. GRCh37 (hg19) VCF-style: chr8-144993516-G-A.
Other names: c.10554C>T, p.Arg3518= (NM_000445.5); c.10431C>T, p.Arg3477= (NM_201378.4); c.10407C>T, p.Arg3469= (NM_201379.3); c.10884C>T, p.Arg3628= (NM_201380.4); c.10377C>T, p.Arg3459= (NM_201381.3); c.10473C>T, p.Arg3491= (NM_201382.4); c.10485C>T, p.Arg3495= (NM_201383.3).
Identifiers: ClinVar variation 387673 (VCV000387673.11), dbSNP rs112569051, ClinGen allele CA4924638.